The following is an entry in ClinVar:

NM_001281775.3(ZMYND8):c.733A>T (p.Ile245Phe)

Gene: ZMYND8 (zinc finger MYND-type containing 8; minus strand). Cytogenetic location: 20q13.12.
Variant type: single nucleotide variant.
Coding change: c.733A>T on transcript NM_001281775.3 (MANE Select); coding-DNA position 733, A replaced by T.
Protein change: p.Ile245Phe; replaces isoleucine 245 with phenylalanine.
Molecular consequence: missense variant. On other transcripts: 5 prime UTR variant (2).
Genome position (GRCh38, 1-based): chr20:47,290,202, T>A on the plus strand (A>T on the coding strand, the complement: ZMYND8 is on the minus strand). VCF-style: chr20-47290202-T-A. GRCh37 (hg19) VCF-style: chr20-45918946-T-A.
Other names: c.658A>T, p.Ile220Phe (NM_183048.4, NM_001281771.3, NM_001281777.3 and 4 more transcripts); c.673A>T, p.Ile225Phe (NM_001281772.3, NM_001281773.3, NM_001281774.3 and 1 more transcripts); c.733A>T, p.Ile245Phe (NM_001281776.3, NM_001281783.3, NM_012408.6 and 1 more transcripts); c.-203A>T (NM_001281779.3, NM_001281780.3); c.754A>T, p.Ile252Phe (NM_001363714.1); short protein forms I220F, I225F, I245F, I252F.
Identifiers: ClinVar variation 4883728 (VCV004883728.2).
Genomic context (GRCh38, chr20:47,290,202, plus strand): 5'-ACATACACAGCATACTCTTTCTTAGGAGTCATCTAAGCCACTCACCCCCATTATAAATGA[T>A]GCAGTTGTGCAAAATCCACTTTGCATCAGCCAGGAAGGCTTCTGTGCAGCCATACATTTT-3'
Protein context (NP_001268704.1, residues 235-255): ADAKWILHNC[Ile245Phe]IYNGGNHKLT

ClinVar aggregate classification (germline): Uncertain significance (1 of 4 stars; one submission).

Submission:

Dasa
Classification: Uncertain significance. Last evaluated: 2026-04-27. Review status: criteria provided, single submitter. Criteria: DASA Assertion Criteria. Collection method: clinical testing. Allele origin: germline.
Comment: NM_001281775.3(ZMYND8):c.733A>T (p.Ile245Phe) is a missense variant that results in the substitution of isoleucine with phenylalanine. This variant is rare in population databases. The currently available literature and clinical evidence are not sufficient to establish a definitive association between this variant and the reported condition. Therefore, this variant is classified as a variant of uncertain significance.